The following is an entry in ClinVar:

NM_001103.4(ACTN2):c.1457T>C (p.Ile486Thr)

Gene: ACTN2 (actinin alpha 2; plus strand). Cytogenetic location: 1q43.
Variant type: single nucleotide variant.
Coding change: c.1457T>C on transcript NM_001103.4 (MANE Select); coding-DNA position 1457, T replaced by C.
Protein change: p.Ile486Thr; replaces isoleucine 486 with threonine.
Molecular consequence: missense variant.
Genome position (GRCh38, 1-based): chr1:236,747,717, T>C. VCF-style: chr1-236747717-T-C. GRCh37 (hg19) VCF-style: chr1-236911017-T-C.
Other names: c.1457T>C, p.Ile486Thr (NM_001278343.2); c.833T>C, p.Ile278Thr (NM_001278344.2); short protein forms I278T, I486T.
Identifiers: ClinVar variation 1021244 (VCV001021244.9), dbSNP rs1659279364, ClinGen allele CA345383969.

ClinVar aggregate classification (germline): Uncertain significance (1 of 4 stars; one submission).

Conditions:
Dilated cardiomyopathy 1AA (CMD1AA). Also called: CARDIOMYOPATHY, DILATED, 1AA, WITH OR WITHOUT LEFT VENTRICULAR NONCOMPACTION; CARDIOMYOPATHY, FAMILIAL HYPERTROPHIC, 23, WITH OR WITHOUT LEFT VENTRICULAR NONCOMPACTION; Cardiomyopathy, dilated, 1AA, with or without LVNC. Identifiers: Orphanet 154, MedGen C2677338, MONDO:0012808, OMIM 612158.
Primary familial hypertrophic cardiomyopathy (HCM). Identifiers: Orphanet 99739, MedGen C0949658, MeSH D024741, MONDO:0024573. Inheritance: Various modes of inheritance.

Allele frequency attached by ClinVar (database versions not stated): gnomAD exomes 0.00001.
gnomAD v4.1: 14 of 1,614,132 alleles (0.00087%); highest among the groups gnomAD compares: Non-Finnish European, 0.00093%; no homozygotes.

Submission:

Labcorp Genetics (formerly Invitae), Labcorp
Classification: Uncertain significance for Primary familial hypertrophic cardiomyopathy; Dilated cardiomyopathy 1AA. Last evaluated: 2023-10-22. Review status: criteria provided, single submitter. Criteria: Invitae Variant Classification Sherloc (09022015). Collection method: clinical testing. Allele origin: germline.
Comment: This sequence change replaces isoleucine, which is neutral and non-polar, with threonine, which is neutral and polar, at codon 486 of the ACTN2 protein (p.Ile486Thr). This variant is not present in population databases (gnomAD no frequency). This variant has not been reported in the literature in individuals affected with ACTN2-related conditions. ClinVar contains an entry for this variant (Variation ID: 1021244). Advanced modeling of protein sequence and biophysical properties (such as structural, functional, and spatial information, amino acid conservation, physicochemical variation, residue mobility, and thermodynamic stability) performed at Invitae indicates that this missense variant is expected to disrupt ACTN2 protein function. In summary, the available evidence is currently insufficient to determine the role of this variant in disease. Therefore, it has been classified as a Variant of Uncertain Significance.